The following is an entry in ClinVar:

NM_024312.5(GNPTAB):c.880G>T (p.Glu294Ter)

Gene: GNPTAB (N-acetylglucosamine-1-phosphate transferase subunits alpha and beta; minus strand). Cytogenetic location: 12q23.2.
Variant type: single nucleotide variant.
Coding change: c.880G>T on transcript NM_024312.5 (MANE Select); coding-DNA position 880, G replaced by T.
Protein change: p.Glu294Ter; replaces glutamic acid 294 with a stop codon.
Molecular consequence: nonsense.
Genome position (GRCh38, 1-based): chr12:101,771,049, C>A on the plus strand (G>T on the coding strand, the complement: GNPTAB is on the minus strand). VCF-style: chr12-101771049-C-A. GRCh37 (hg19) VCF-style: chr12-102164827-C-A.
Other names: short protein forms E294*.
Identifiers: ClinVar variation 984024 (VCV000984024.9), dbSNP rs1953165554, ClinGen allele CA386303531.

ClinVar aggregate classification (germline): Pathogenic/Likely pathogenic. Review status: criteria provided, multiple submitters, no conflicts (2 of 4 stars). 2 submissions from 2 submitters: Pathogenic (1); Likely pathogenic (1). Last evaluated 2021-02-22.

Conditions:
Mucolipidosis type II. Also called: Mucolipidosis 2; ML 2; Inclusion cell disease; Leroy Disease; N-acetylglucosamine 1phosphotransferase deficiency; ML disorder type 2. Identifiers: Orphanet 576, MedGen C2673377, MONDO:0009650, OMIM 252500.
Pseudo-Hurler polydystrophy. Also called: ML IIIA; Mucolipidosis III Alpha/Beta; MUCOLIPIDOSIS IIIA; ML III; ML III ALPHA/BETA; Type III Mucolipidosis. Identifiers: Orphanet 423461, Orphanet 577, MedGen C0033788, MONDO:0018931, OMIM 252600.
GNPTAB-mucolipidosis. Also called: UDP-N-acetylglucosamine-1-phosphotransferase subunit alpha/beta deficiency. Identifiers: MedGen CN322573, MONDO:0100122.

Submissions (2):

Labcorp Genetics (formerly Invitae), Labcorp
Classification: Pathogenic for Pseudo-Hurler polydystrophy; Mucolipidosis type II. Last evaluated: 2021-02-22. Review status: criteria provided, single submitter. Criteria: Invitae Variant Classification Sherloc (09022015). Collection method: clinical testing. Allele origin: germline.
Comment: This sequence change creates a premature translational stop signal (p.Glu294*) in the GNPTAB gene. It is expected to result in an absent or disrupted protein product. Loss-of-function variants in GNPTAB are known to be pathogenic (PMID: 19617216, 25107912). For these reasons, this variant has been classified as Pathogenic. This variant has not been reported in the literature in individuals with GNPTAB-related conditions. ClinVar contains an entry for this variant (Variation ID: 984024). This variant is not present in population databases (ExAC no frequency).

Myriad Genetics, Inc.
Classification: Likely pathogenic for GNPTAB-mucolipidosis. Last evaluated: 2020-02-22. Review status: criteria provided, single submitter. Criteria: Myriad Autosomal Dominant, Autosomal Recessive and X-Linked Classification Criteria (2023). Collection method: clinical testing. Allele origin: unknown.
Comment: NM_024312.4(GNPTAB):c.880G>T(E294*) is expected to be pathogenic in the context of GNPTAB-related disorders. This variant is predicted to lead to an abnormal or absent protein product due to the creation of a premature termination codon in GNPTAB, a gene where loss-of-function variants are known to be pathogenic. Please note: this variant was assessed in the context of healthy population screening.

Literature cited by the submitters: PubMed 19617216 (cited by Labcorp Genetics (formerly Invitae), Labcorp); PubMed 25107912 (cited by Labcorp Genetics (formerly Invitae), Labcorp).